The following is an entry in ClinVar:

NM_014283.5(SUCO):c.3274A>G (p.Asn1092Asp)

Gene: SUCO (SUN domain containing ossification factor; plus strand). Cytogenetic location: 1q24.3.
Variant type: single nucleotide variant.
Coding change: c.3274A>G on transcript NM_014283.5 (MANE Select); coding-DNA position 3274, A replaced by G.
Protein change: p.Asn1092Asp; replaces asparagine 1092 with aspartic acid.
Molecular consequence: missense variant.
Genome position (GRCh38, 1-based): chr1:172,608,755, A>G. VCF-style: chr1-172608755-A-G. GRCh37 (hg19) VCF-style: chr1-172577895-A-G.
Other names: c.2161A>G, p.Asn721Asp (NM_001282750.2); c.1585A>G, p.Asn529Asp (NM_001282751.2); c.3727A>G, p.Asn1243Asp (NM_016227.4); short protein forms N1092D, N1243D, N529D, N721D.
Identifiers: ClinVar variation 3605144 (VCV003605144.2).
Genomic context (GRCh38, chr1:172,608,755, plus strand): 5'-CACCAAATCCACTTTACATTTTACATCTGCTTTTTTTTTTTTTTACTTACAGTAGACCCA[A>G]ATGATTTGTACATTGTAGAACCCCTCAAGTTTTCTCCAGAAAAGAAGGTAATTGTTTATT-3'
Protein context (NP_055098.1, residues 1082-1102): LQLTGKEVDP[Asn1092Asp]DLYIVEPLKF

ClinVar aggregate classification (germline): Uncertain significance (1 of 4 stars; one submission).

Submission:

Labcorp Genetics (formerly Invitae), Labcorp
Classification: Uncertain significance. Last evaluated: 2025-06-23. Review status: criteria provided, single submitter. Criteria: Invitae Variant Classification Sherloc (09022015). Collection method: clinical testing. Allele origin: germline.
Comment: This sequence change replaces asparagine, which is neutral and polar, with aspartic acid, which is acidic and polar, at codon 1092 of the SUCO protein (p.Asn1092Asp). This variant is not present in population databases (gnomAD no frequency). This variant has not been reported in the literature in individuals affected with SUCO-related conditions. ClinVar contains an entry for this variant (Variation ID: 3605144). An algorithm developed to predict the effect of missense changes on protein structure and function outputs the following: PolyPhen-2: "Benign". The aspartic acid amino acid residue is found in multiple mammalian species, which suggests that this missense change does not adversely affect protein function. In summary, the available evidence is currently insufficient to determine the role of this variant in disease. Therefore, it has been classified as a Variant of Uncertain Significance.